The following is an entry in ClinVar:

ClinVar aggregate classification (germline): Benign/Likely benign. Review status: criteria provided, multiple submitters, no conflicts (2 of 4 stars). 23 submissions from 22 submitters: Benign (6); Likely benign (12). 5 of the submissions do not count toward it. Last evaluated 2026-06-01.

Conditions:
Hereditary cancer-predisposing syndrome. Also called: Tumor predisposition; Hereditary neoplastic syndrome; Hereditary Cancer Syndrome; Neoplastic Syndromes, Hereditary. Identifiers: Orphanet 140162, MedGen C0027672, MeSH D009386, MONDO:0015356.
Cardiovascular phenotype. Identifiers: MedGen CN230736.
NF1-related disorder. Also called: NF1-related condition. Identifiers: MedGen CN379171.
Neurofibromatosis, familial spinal (FSNF). Identifiers: Orphanet 636, MedGen C1834235, MONDO:0008078, OMIM 162210. Disease mechanism: loss of function.
Neurofibromatosis, type 1 (NF1). Also called: NEUROFIBROMATOSIS, TYPE I, SOMATIC; VON RECKLINGHAUSEN DISEASE; Neurofibromatosis, type I; Peripheral type neurofibromatosis. Identifiers: Orphanet 636, MedGen C0027831, MONDO:0018975, OMIM 162200. Disease mechanism: loss of function.
Juvenile myelomonocytic leukemia (JMML). Also called: LEUKEMIA, JUVENILE MYELOMONOCYTIC, SOMATIC. Identifiers: Orphanet 86834, MedGen C0349639, MONDO:0011908, OMIM 607785, HP:0012209.
Neurofibromatosis-Noonan syndrome (NFNS). Also called: NEUROFIBROMATOSIS WITH NOONAN PHENOTYPE. Identifiers: Orphanet 638, MedGen C2931482, MONDO:0011035, OMIM 601321. Disease mechanism: loss of function.
Café-au-lait macules with pulmonary stenosis (WTSN). Also called: PULMONIC STENOSIS WITH CAFE-AU-LAIT SPOTS. Identifiers: MedGen C0553586, MONDO:0008672, OMIM 193520.

Allele frequency attached by ClinVar (database versions not stated): 1000 Genomes Project 30x 0.00250; ESP Exome Variant Server 0.00254; 1000 Genomes Project 0.00280; gnomAD exomes 0.00046; ExAC 0.00052; gnomAD 0.00180 and 0.00189; TOPMed 0.00204.
gnomAD v4.1: 511 of 1,614,062 alleles (0.032%); highest among the groups gnomAD compares: African/African-American, 0.6%; 3 homozygotes.

Submissions (23):

CeGaT Center for Human Genetics Tuebingen
Classification: Likely benign. Last evaluated: 2026-06-01. Review status: criteria provided, single submitter. Criteria: CeGaT Center For Human Genetics Tuebingen Variant Classification Criteria Version 2. Collection method: clinical testing. Allele origin: germline. Affected: yes. Observed: 2 variant alleles.
Comment: NF1: BP4, BS1

Myriad Genetics, Inc.
Classification: Likely benign for Neurofibromatosis, type 1. Last evaluated: 2026-05-13. Review status: criteria provided, single submitter. Criteria: Myriad Autosomal Dominant, Autosomal Recessive and X-Linked Classification Criteria (2023). Collection method: clinical testing. Allele origin: unknown.
Comment: This variant is considered likely benign. This variant has been observed at a population frequency that is significantly greater than expected given the associated disease prevalence and penetrance.

Labcorp Genetics (formerly Invitae), Labcorp
Classification: Benign for Neurofibromatosis, type 1. Last evaluated: 2026-02-04. Review status: criteria provided, single submitter. Criteria: Invitae Variant Classification Sherloc (09022015). Collection method: clinical testing. Allele origin: germline.

Dasa
Classification: Likely benign. Last evaluated: 2025-11-10. Review status: criteria provided, single submitter. Criteria: DASA Assertion Criteria. Collection method: clinical testing. Allele origin: germline.
Comment: NM_001042492.3(NF1):c.7531G>C (p.Val2511Leu) is a missense variant that results in the substitution of valine with leucine. Multiple computational predictions suggest no deleterious effect on the gene or gene product. The variant is present at low frequency in population datasets. Based on the available data, this variant is classified as likely benign.

Blueprint Genetics
Classification: Likely benign. Last evaluated: 2024-08-28. Review status: criteria provided, single submitter. Criteria: ACMG Guidelines, 2015. Collection method: clinical testing. Allele origin: germline.

Mayo Clinic Laboratories, Mayo Clinic
Classification: Likely benign. Last evaluated: 2024-03-15. Review status: criteria provided, single submitter. Criteria: ACMG Guidelines, 2015. Collection method: clinical testing. Allele origin: germline. Observed: 5 variant alleles.
Comment: BS1, BP4

Institute for Biomarker Research, Medical Diagnostic Laboratories, L.L.C.
Classification: Benign for Hereditary cancer-predisposing syndrome. Last evaluated: 2023-11-06. Review status: criteria provided, single submitter. Criteria: ACMG Guidelines, 2015. Collection method: clinical testing. Allele origin: germline.

Genome-Nilou Lab
Classification: Benign for Neurofibromatosis, type 1. Last evaluated: 2022-03-15. Review status: criteria provided, single submitter. Criteria: ACMG Guidelines, 2015. Collection method: clinical testing. Allele origin: germline. Affected: no.

Fulgent Genetics
Classification: Likely benign for Neurofibromatosis, type 1; Neurofibromatosis, familial spinal; Café-au-lait macules with pulmonary stenosis; Neurofibromatosis-Noonan syndrome; Juvenile myelomonocytic leukemia. Last evaluated: 2021-12-21. Review status: criteria provided, single submitter. Criteria: ACMG Guidelines, 2015. Collection method: clinical testing. Allele origin: unknown.

Institute for Clinical Genetics, University Hospital TU Dresden, University Hospital TU Dresden
Classification: Likely benign. Last evaluated: 2021-11-03. Review status: criteria provided, single submitter. Criteria: ACMG Guidelines, 2015. Collection method: clinical testing. Allele origin: germline.

GeneDx
Classification: Likely benign. Last evaluated: 2021-02-05. Review status: criteria provided, single submitter. Criteria: GeneDx Variant Classification Process June 2021. Collection method: clinical testing. Allele origin: germline. Affected: yes.
Comment: This variant is associated with the following publications: (PMID: 24728327, 20579941)

Genome Diagnostics Laboratory, The Hospital for Sick Children
Classification: Benign for Neurofibromatosis, type 1. Last evaluated: 2020-10-26. Review status: criteria provided, single submitter. Criteria: ACMG Guidelines, 2015. Collection method: clinical testing. Allele origin: germline. Affected: yes.

Sema4
Classification: Benign for Hereditary cancer-predisposing syndrome. Last evaluated: 2020-09-19. Review status: criteria provided, single submitter. Criteria: Sema4 Curation Guidelines. Collection method: curation. Allele origin: germline.

Ambry Genetics
Classification: Likely benign for Cardiovascular phenotype; Hereditary cancer-predisposing syndrome. Last evaluated: 2019-05-03. Review status: criteria provided, single submitter. Criteria: Ambry Variant Classification Scheme 2023. Collection method: clinical testing. Allele origin: germline.

Women's Health and Genetics/Laboratory Corporation of America, LabCorp
Classification: Benign. Last evaluated: 2018-08-13. Review status: criteria provided, single submitter. Criteria: LabCorp Variant Classification Summary - May 2015. Collection method: clinical testing. Allele origin: germline.
Comment: Variant summary: NF1 c.7468G>C (p.Val2490Leu) results in a conservative amino acid change in the encoded protein sequence that is located outside of any known functional domains. Four of five in-silico tools predict a benign effect of the variant on protein function. The observed variant frequency within African control individuals in the gnomAD database is approximately 25 fold of the estimated maximal expected allele frequency for a pathogenic variant in NF1 causing Neurofibromatosis Type 1 phenotype (0.00021), strongly suggesting that the variant is a benign polymorphism found primarily in populations of African origin. To our knowledge, no occurrence of c.7468G>C in individuals affected with Neurofibromatosis Type 1 and no experimental evidence demonstrating its impact on protein function have been reported. Five clinical diagnostic laboratories have submitted clinical-significance assessments for this variant to ClinVar after 2014 without evidence for independent evaluation. All laboratories classified the variant as benign (1x) or likely benign (4x). Based on the evidence outlined above, the variant was classified as benign.

Genetic Services Laboratory, University of Chicago
Classification: Likely benign. Last evaluated: 2016-07-26. Review status: criteria provided, single submitter. Criteria: ACMG Guidelines, 2015. Collection method: clinical testing. Allele origin: germline. Affected: no.

Laboratory for Molecular Medicine, Mass General Brigham Personalized Medicine
Classification: Likely benign. Last evaluated: 2016-03-15. Review status: criteria provided, single submitter. Criteria: LMM Criteria. Collection method: clinical testing. Allele origin: germline. Observed: 1 variant allele.
Comment: p.Val2511Leu in exon 51 of NF1: This variant is not expected to have clinical si gnificance because it has been identified in 0.6% (58/10402) of African chromoso mes by the Exome Aggregation Consortium (ExAC; dbSNP rs2230850).

Ambry Genetics
Classification: Likely benign for Hereditary cancer-predisposing syndrome. Last evaluated: 2015-07-31. Review status: criteria provided, single submitter. Criteria: Ambry Autosomal Dominant and X-Linked criteria (10/2015). Collection method: clinical testing. Allele origin: germline. Observed: 1 variant allele.
Comment: In silico models in agreement (benign);Subpopulation frequency in support of benign classification

PreventionGenetics, part of Exact Sciences
Classification: Benign for NF1-related condition. Last evaluated: 2019-07-19. Review status: no assertion criteria provided. Collection method: clinical testing. Allele origin: germline. Not counted in ClinVar's aggregate classification.
Comment: This variant is classified as benign based on ACMG/AMP sequence variant interpretation guidelines (Richards et al. 2015 PMID: 25741868, with internal and published modifications).

ITMI
No classification provided. Condition: AllHighlyPenetrant. Last evaluated: 2013-09-19. Review status: no classification provided. Collection method: reference population. Allele origin: germline. Not counted in ClinVar's aggregate classification.
Comment: Please see associated publication for description of ethnicities

Clinical Genetics DNA and cytogenetics Diagnostics Lab, Erasmus MC, Erasmus Medical Center
Classification: Likely benign. Review status: no assertion criteria provided. Collection method: clinical testing. Allele origin: germline. Affected: yes. Study: VKGL Data-share Consensus. Not counted in ClinVar's aggregate classification.

Diagnostic Laboratory, Department of Genetics, University Medical Center Groningen
Classification: Likely benign. Review status: no assertion criteria provided. Collection method: clinical testing. Allele origin: germline. Affected: yes. Study: VKGL Data-share Consensus. Not counted in ClinVar's aggregate classification.

Laboratory of Diagnostic Genome Analysis, Leiden University Medical Center (LUMC)
Classification: Likely benign. Review status: no assertion criteria provided. Collection method: clinical testing. Allele origin: germline. Affected: yes. Study: VKGL Data-share Consensus. Not counted in ClinVar's aggregate classification.

Literature cited by the submitters: PubMed 10678181 (cited by Women's Health and Genetics/Laboratory Corporation of America, LabCorp); PubMed 23460398 (cited by Women's Health and Genetics/Laboratory Corporation of America, LabCorp); PubMed 29872168 (cited by Women's Health and Genetics/Laboratory Corporation of America, LabCorp); PubMed 24728327 (cited by ITMI).

NM_001042492.3(NF1):c.7531G>C (p.Val2511Leu)

Gene: NF1 (neurofibromin 1; plus strand). Cytogenetic location: 17q11.2.
Variant type: single nucleotide variant.
Coding change: c.7531G>C on transcript NM_001042492.3 (MANE Select); coding-DNA position 7531, G replaced by C.
Protein change: p.Val2511Leu; replaces valine 2511 with leucine.
Molecular consequence: missense variant.
Genome position (GRCh38, 1-based): chr17:31,352,330, G>C. VCF-style: chr17-31352330-G-C. GRCh37 (hg19) VCF-style: chr17-29679348-G-C.
Other names: p.Val2490Leu; c.7468G>C, p.Val2490Leu (NM_000267.4); short protein forms V2490L, V2511L.
Identifiers: ClinVar variation 134889 (VCV000134889.50), dbSNP rs2230850, ClinGen allele CA161070.